The following is an entry in ClinVar:

ClinVar aggregate classification (germline): Benign/Likely benign. Review status: criteria provided, multiple submitters, no conflicts (2 of 4 stars). 3 submissions from 3 submitters: Benign (1); Likely benign (2). Last evaluated 2025-04-12.

Conditions:
BBS10-related disorder. Also called: BBS10-related condition.
Bardet-Biedl syndrome (BBS). Identifiers: Orphanet 110, MedGen C0752166, MONDO:0015229.

Submissions (3):

PreventionGenetics, part of Exact Sciences
Classification: Likely benign for BBS10-related condition. Last evaluated: 2025-04-12. Review status: criteria provided, single submitter. Criteria: ACMG Guidelines, 2015. Collection method: clinical testing. Allele origin: germline.
Comment: This variant is classified as likely benign based on ACMG/AMP sequence variant interpretation guidelines (Richards et al. 2015 PMID: 25741868, with internal and published modifications).

Labcorp Genetics (formerly Invitae), Labcorp
Classification: Benign for Bardet-Biedl syndrome. Last evaluated: 2023-12-13. Review status: criteria provided, single submitter. Criteria: Invitae Variant Classification Sherloc (09022015). Collection method: clinical testing. Allele origin: germline.

Blueprint Genetics
Classification: Likely benign. Last evaluated: 2019-02-19. Review status: criteria provided, single submitter. Criteria: ACMG Guidelines, 2015. Collection method: clinical testing. Allele origin: germline.

NM_024685.4(BBS10):c.198-12dup

Gene: BBS10 (Bardet-Biedl syndrome 10; minus strand). Cytogenetic location: 12q21.2.
Variant type: Duplication.
Coding change: c.198-12dup on transcript NM_024685.4 (MANE Select); 12 bases into the intron before coding-DNA position 198, one base duplicated (T; older notation c.198-12dupT).
Molecular consequence: intron variant.
Genome position (GRCh38, 1-based): chr12:76,347,794, A duplicated on the plus strand (T on the coding strand, the reverse complement: BBS10 is on the minus strand); the first of 6 consecutive A bases (chr12:76,347,794-76,347,799); duplicating any one gives the same sequence. VCF-style (leftmost placement, unchanged base first): chr12-76347793-C-CA. GRCh37 (hg19) VCF-style: chr12-76741573-C-CA.
Other names: c.198-7dupT (NM_024685.3).
Identifiers: ClinVar variation 1170794 (VCV001170794.11), dbSNP rs764036894, ClinGen allele CA6694391.